The following is an entry in ClinVar:

ClinVar aggregate classification (germline): Pathogenic (1 of 4 stars; one submission).

Submission:

GeneDx
Classification: Pathogenic. Last evaluated: 2022-10-17. Review status: criteria provided, single submitter. Criteria: GeneDx Variant Classification Process June 2021. Collection method: clinical testing. Allele origin: germline. Affected: yes.
Comment: Frameshift variant predicted to result in protein truncation or nonsense mediated decay in a gene for which loss-of-function is a known mechanism of disease; Has not been previously published as pathogenic or benign to our knowledge

NM_001042424.3(NSD2):c.2827dup (p.Asp943fs)

Gene: NSD2 (nuclear receptor binding SET domain protein 2; plus strand). Cytogenetic location: 4p16.3.
Variant type: Duplication.
Coding change: c.2827dup on transcript NM_001042424.3 (MANE Select); coding-DNA position 2827, one base duplicated (G; older notation c.2827dupG).
Protein change: p.Asp943fs; shifts the reading frame from aspartic acid 943.
Molecular consequence: frameshift variant.
Genome position (GRCh38, 1-based): chr4:1,956,134, G duplicated; the last of 5 consecutive G bases (chr4:1,956,130-1,956,134); duplicating any one gives the same sequence. VCF-style (leftmost placement, unchanged base first): chr4-1956129-A-AG. GRCh37 (hg19) VCF-style: chr4-1957856-A-AG.
Other names: c.2827dup, p.Asp943fs (NM_133330.3, NM_133331.3, NM_133335.4); short protein forms D943fs.
Identifiers: ClinVar variation 1710711 (VCV001710711.2), dbSNP rs1267410871, ClinGen allele CA549267246.